The following is an entry in ClinVar:

NM_004260.4(RECQL4):c.1253_1254delinsAA (p.Arg418Gln)

Gene: RECQL4 (RecQ like helicase 4; minus strand). Cytogenetic location: 8q24.3.
Variant type: Indel.
Coding change: c.1253_1254delinsAA on transcript NM_004260.4 (MANE Select); coding-DNA positions 1253 to 1254, GG replaced by AA.
Protein change: p.Arg418Gln; replaces arginine 418 with glutamine.
Molecular consequence: missense variant.
Genome position (GRCh38, 1-based): chr8:144,515,768-144,515,769, CC replaced by TT on the plus strand (GG replaced by AA on the coding strand, the reverse complement: RECQL4 is on the minus strand). VCF-style: chr8-144515768-CC-TT. GRCh37 (hg19) VCF-style: chr8-145741152-CC-TT.
Other names: c.182_183delGGinsAA, p.Arg61Gln (NM_001413034.1, NM_001413035.1, NM_001413037.1 and 8 more transcripts); c.1253_1254delGGinsAA, p.Arg418Gln (NM_001413036.1, NM_001413039.1, NM_001413018.1 and 2 more transcripts); c.120_121delGGinsAA, p.Ala41Thr (NM_001413041.1, NM_001413027.1, NM_001413030.1 and 2 more transcripts); c.1157_1158delGGinsAA, p.Arg386Gln (NM_001413017.1, NM_001413020.1); c.1124_1125delGGinsAA, p.Arg375Gln (NM_001413025.1); c.902_903delGGinsAA, p.Arg301Gln (NM_001413029.1); short protein forms A41T, R301Q, R375Q, R386Q, R418Q, R61Q.
Identifiers: ClinVar variation 1721689 (VCV001721689.5), dbSNP rs2538071776, ClinGen allele CA2580078827.
Genomic context (GRCh38, chr8:144,515,768, plus strand): 5'-CACTGCGCCCTCTCCACAGTGTTGGCCGGACCCACCCTCCAGGGCAGATGTCTCACCTGG[CC>TT]GGGGACACTGGGCTGCCCAGTGATCGAACTGCTCGTTCAGGAAACAAGACTCCTTGGTTG-3'
Protein context (NP_004251.4, residues 408-428): QFDHWAAQCP[Arg418Gln]PASEEDTDAV

ClinVar aggregate classification (germline): Uncertain significance (1 of 4 stars; one submission).

Conditions:
Baller-Gerold syndrome (BGS). Also called: CRANIOSYNOSTOSIS WITH RADIAL DEFECTS. Identifiers: Orphanet 1225, MedGen C0265308, MONDO:0009039, OMIM 218600.

Submission:

Labcorp Genetics (formerly Invitae), Labcorp
Classification: Uncertain significance for Baller-Gerold syndrome. Last evaluated: 2022-10-16. Review status: criteria provided, single submitter. Criteria: Invitae Variant Classification Sherloc (09022015). Collection method: clinical testing. Allele origin: germline.
Comment: In summary, the available evidence is currently insufficient to determine the role of this variant in disease. Therefore, it has been classified as a Variant of Uncertain Significance. Experimental studies and prediction algorithms are not available or were not evaluated, and the functional significance of this variant is currently unknown. This variant has not been reported in the literature in individuals affected with RECQL4-related conditions. Information on the frequency of this variant in the gnomAD database is not available, as this variant may be reported differently in the database. This sequence change replaces arginine, which is basic and polar, with glutamine, which is neutral and polar, at codon 418 of the RECQL4 protein (p.Arg418Gln).